The following is an entry in ClinVar:

ClinVar aggregate classification (germline): Uncertain significance (1 of 4 stars; one submission).

Submission:

Labcorp Genetics (formerly Invitae), Labcorp
Classification: Uncertain significance. Last evaluated: 2025-07-28. Review status: criteria provided, single submitter. Criteria: Invitae Variant Classification Sherloc (09022015). Collection method: clinical testing. Allele origin: germline.
Comment: This sequence change replaces glycine, which is neutral and non-polar, with arginine, which is basic and polar, at codon 6 of the RNF13 protein (p.Gly6Arg). This variant is not present in population databases (gnomAD no frequency). This variant has not been reported in the literature in individuals affected with RNF13-related conditions. ClinVar contains an entry for this variant (Variation ID: 1466650). An algorithm developed to predict the effect of missense changes on protein structure and function (PolyPhen-2) suggests that this variant is likely to be disruptive. In summary, the available evidence is currently insufficient to determine the role of this variant in disease. Therefore, it has been classified as a Variant of Uncertain Significance.

NM_183381.3(RNF13):c.16G>A (p.Gly6Arg)

Gene: RNF13 (ring finger protein 13; plus strand). Cytogenetic location: 3q25.1.
Variant type: single nucleotide variant.
Coding change: c.16G>A on transcript NM_183381.3 (MANE Select); coding-DNA position 16, G replaced by A.
Protein change: p.Gly6Arg; replaces glycine 6 with arginine.
Molecular consequence: missense variant. On other transcripts: 5 prime UTR variant (4), non-coding transcript variant (1), intron variant (2).
Genome position (GRCh38, 1-based): chr3:149,846,042, G>A. VCF-style: chr3-149846042-G-A. GRCh37 (hg19) VCF-style: chr3-149563829-G-A.
Other names: c.16G>A, p.Gly6Arg (NM_001378285.1, NM_001378286.1, NM_007282.4); c.-352G>A (NM_001378287.1, NM_001378288.1, NM_001378289.1 and 1 more transcripts); c.-253-6474G>A (NM_183383.2); c.-279-6474G>A (NM_001378291.1); short protein forms G6R.
Identifiers: ClinVar variation 1466650 (VCV001466650.8), dbSNP rs1722610564, ClinGen allele CA355011507.